The following is an entry in ClinVar:

ClinVar aggregate classification (germline): Likely benign. Review status: criteria provided, single submitter (1 of 4 stars). 2 submissions from 2 submitters: Likely benign (1). 1 of the submissions does not count toward it. Last evaluated 2025-02-20.

Conditions:
ETV5-related disorder. Also called: ETV5-related condition.

Allele frequency attached by ClinVar (database versions not stated): ExAC 0.00009; gnomAD exomes 0.00010; 1000 Genomes Project 30x 0.00016; gnomAD 0.00017; TOPMed 0.00017; 1000 Genomes Project 0.00020.
gnomAD v4.1: 167 of 1,613,946 alleles (0.01%); highest among the groups gnomAD compares: East Asian, 0.056%; no homozygotes.

Submissions (2):

Ambry Genetics
Classification: Likely benign. Last evaluated: 2025-02-20. Review status: criteria provided, single submitter. Criteria: Ambry Variant Classification Scheme 2023. Collection method: clinical testing. Allele origin: germline.

PreventionGenetics, part of Exact Sciences
Classification: Likely benign for ETV5-related condition. Last evaluated: 2019-08-28. Review status: no assertion criteria provided. Collection method: clinical testing. Allele origin: germline. Not counted in ClinVar's aggregate classification.
Comment: This variant is classified as likely benign based on ACMG/AMP sequence variant interpretation guidelines (Richards et al. 2015 PMID: 25741868, with internal and published modifications).

NM_004454.3(ETV5):c.6C>T (p.Asp2=)

Gene: ETV5 (ETS variant transcription factor 5; minus strand). Cytogenetic location: 3q27.2.
Variant type: single nucleotide variant.
Coding change: c.6C>T on transcript NM_004454.3 (MANE Select); coding-DNA position 6, C replaced by T.
Protein change: p.Asp2=; no amino-acid change (aspartic acid 2 retained).
Molecular consequence: synonymous variant.
Genome position (GRCh38, 1-based): chr3:186,105,863, G>A on the plus strand (C>T on the coding strand, the complement: ETV5 is on the minus strand). VCF-style: chr3-186105863-G-A. GRCh37 (hg19) VCF-style: chr3-185823652-G-A.
Identifiers: ClinVar variation 3052398 (VCV003052398.3), dbSNP rs200588942, ClinGen allele CA2742778.
Genomic context (GRCh38, chr3:186,105,863, plus strand): 5'-CCAAAAGCCACATAAACTTACCCCTGGGACCATAAAAGGGACTTGCTGATCATAAAACCC[G>A]TCCATGGTGCTTTCAGCGTCTCTAATACCACTTTGAGAGGTTTCAGCATTGAGTAATTTC-3'
Protein context (NP_004445.1, residues 1-12): M[Asp2=]GFYDQQVPFM